The following is an entry in ClinVar:

ClinVar aggregate classification (germline): Uncertain significance. Review status: criteria provided, multiple submitters, no conflicts (2 of 4 stars). 2 submissions from 2 submitters: Uncertain significance (2). Last evaluated 2024-03-28.

Submissions (2):

Labcorp Genetics (formerly Invitae), Labcorp
Classification: Uncertain significance. Last evaluated: 2024-03-28. Review status: criteria provided, single submitter. Criteria: Invitae Variant Classification Sherloc (09022015). Collection method: clinical testing. Allele origin: germline.
Comment: This sequence change replaces tyrosine, which is neutral and polar, with serine, which is neutral and polar, at codon 277 of the UROD protein (p.Tyr277Ser). This variant is not present in population databases (gnomAD no frequency). This variant has not been reported in the literature in individuals affected with UROD-related conditions. ClinVar contains an entry for this variant (Variation ID: 1721453). Advanced modeling of protein sequence and biophysical properties (such as structural, functional, and spatial information, amino acid conservation, physicochemical variation, residue mobility, and thermodynamic stability) has been performed at Invitae for this missense variant, however the output from this modeling did not meet the statistical confidence thresholds required to predict the impact of this variant on UROD protein function. In summary, the available evidence is currently insufficient to determine the role of this variant in disease. Therefore, it has been classified as a Variant of Uncertain Significance.

Blueprint Genetics
Classification: Uncertain significance. Last evaluated: 2024-01-23. Review status: criteria provided, single submitter. Criteria: ACMG Guidelines, 2015. Collection method: clinical testing. Allele origin: germline.

NM_000374.5(UROD):c.830A>C (p.Tyr277Ser)

Gene: UROD (uroporphyrinogen decarboxylase; plus strand). Cytogenetic location: 1p34.1.
Variant type: single nucleotide variant.
Coding change: c.830A>C on transcript NM_000374.5 (MANE Select); coding-DNA position 830, A replaced by C.
Protein change: p.Tyr277Ser; replaces tyrosine 277 with serine.
Molecular consequence: missense variant. On other transcripts: non-coding transcript variant (3).
Genome position (GRCh38, 1-based): chr1:45,014,791, A>C. VCF-style: chr1-45014791-A-C. GRCh37 (hg19) VCF-style: chr1-45480463-A-C.
Other names: short protein forms Y277S.
Identifiers: ClinVar variation 1721453 (VCV001721453.6), dbSNP rs2522923243, ClinGen allele CA340119356.